The following is an entry in ClinVar:

NM_015557.3(CHD5):c.2048C>T (p.Thr683Met)

Gene: CHD5 (chromodomain helicase DNA binding protein 5; minus strand). Cytogenetic location: 1p36.31.
Variant type: single nucleotide variant.
Coding change: c.2048C>T on transcript NM_015557.3 (MANE Select); coding-DNA position 2048, C replaced by T.
Protein change: p.Thr683Met; replaces threonine 683 with methionine.
Molecular consequence: missense variant.
Genome position (GRCh38, 1-based): chr1:6,142,601, G>A on the plus strand (C>T on the coding strand, the complement: CHD5 is on the minus strand). VCF-style: chr1-6142601-G-A. GRCh37 (hg19) VCF-style: chr1-6202661-G-A.
Other names: short protein forms T683M.
Identifiers: ClinVar variation 1522339 (VCV001522339.6), dbSNP rs999797256, ClinGen allele CA17168614.
Genomic context (GRCh38, chr1:6,142,601, plus strand): 5'-TACGGGTGCAGTGTGCCGCCTGTGGAGTCGATGTACCATGGCTGCTTGTCGAACTTGACC[G>A]TGGGCTGCAGGGGAGGCAGCGGTTCAGACACGCCCCAGATCCTGGGCCACCAGAGTCCAC-3'
Protein context (NP_056372.1, residues 673-693): KPPDTPIVDP[Thr683Met]VKFDKQPWYI

ClinVar aggregate classification (germline): Uncertain significance (1 of 4 stars; one submission).

Allele frequency attached by ClinVar (database versions not stated): gnomAD exomes below 0.00001 and 0.00001; gnomAD 0.00001; TOPMed 0.00001.
gnomAD v4.1: 13 of 1,610,186 alleles (0.00081%); highest among the groups gnomAD compares: African/African-American, 0.0013%; no homozygotes.

Submission:

Labcorp Genetics (formerly Invitae), Labcorp
Classification: Uncertain significance. Last evaluated: 2023-10-06. Review status: criteria provided, single submitter. Criteria: Invitae Variant Classification Sherloc (09022015). Collection method: clinical testing. Allele origin: germline.
Comment: This sequence change replaces threonine, which is neutral and polar, with methionine, which is neutral and non-polar, at codon 683 of the CHD5 protein (p.Thr683Met). The frequency data for this variant in the population databases is considered unreliable, as metrics indicate poor data quality at this position in the gnomAD database. This variant has not been reported in the literature in individuals affected with CHD5-related conditions. ClinVar contains an entry for this variant (Variation ID: 1522339). Advanced modeling of protein sequence and biophysical properties (such as structural, functional, and spatial information, amino acid conservation, physicochemical variation, residue mobility, and thermodynamic stability) performed at Invitae indicates that this missense variant is not expected to disrupt CHD5 protein function. In summary, the available evidence is currently insufficient to determine the role of this variant in disease. Therefore, it has been classified as a Variant of Uncertain Significance.